The following is an entry in ClinVar:

ClinVar aggregate classification (germline): Uncertain significance (1 of 4 stars; one submission).

Conditions:
Nemaline myopathy 2 (NEM2). Also called: Nemaline myopathy 2, autosomal recessive. Identifiers: MedGen C1850569, MONDO:0009725, OMIM 256030.

Submission:

Labcorp Genetics (formerly Invitae), Labcorp
Classification: Uncertain significance for Nemaline myopathy 2. Last evaluated: 2022-08-30. Review status: criteria provided, single submitter. Criteria: Invitae Variant Classification Sherloc (09022015). Collection method: clinical testing. Allele origin: germline.
Comment: This variant is not present in population databases (gnomAD no frequency). This sequence change replaces glutamine, which is neutral and polar, with lysine, which is basic and polar, at codon 8376 of the NEB protein (p.Gln8376Lys). In summary, the available evidence is currently insufficient to determine the role of this variant in disease. Therefore, it has been classified as a Variant of Uncertain Significance. Algorithms developed to predict the effect of missense changes on protein structure and function are either unavailable or do not agree on the potential impact of this missense change (SIFT: "Deleterious"; PolyPhen-2: "Not Available"; Align-GVGD: "Class C0"). This variant has not been reported in the literature in individuals affected with NEB-related conditions.

NM_001164508.2(NEB):c.25021C>A (p.Gln8341Lys)

Genes: NEB (nebulin; minus strand), RIF1 (replication timing regulatory factor 1; plus strand). Cytogenetic location: 2q23.3.
Variant type: single nucleotide variant.
Coding change: c.25021C>A on transcript NM_001164508.2 (MANE Select); coding-DNA position 25021, C replaced by A.
Protein change: p.Gln8341Lys; replaces glutamine 8341 with lysine.
Molecular consequence: missense variant.
Genome position (GRCh38, 1-based): chr2:151,492,134, G>T on the plus strand (C>A on the coding strand, the complement: NEB is on the minus strand). VCF-style: chr2-151492134-G-T. GRCh37 (hg19) VCF-style: chr2-152348648-G-T.
Other names: c.25021C>A, p.Gln8341Lys (NM_001164507.2); c.25126C>A, p.Gln8376Lys (NM_001271208.2); c.19453C>A, p.Gln6485Lys (NM_004543.5); short protein forms Q8376K, Q8341K, Q6485K.
Identifiers: ClinVar variation 1959534 (VCV001959534.5), dbSNP rs2551706399, ClinGen allele CA348773351.